The following is an entry in ClinVar:

ClinVar aggregate classification (germline): Uncertain significance (1 of 4 stars; one submission).

Submission:

GeneDx
Classification: Uncertain significance. Last evaluated: 2026-04-15. Review status: criteria provided, single submitter. Criteria: GeneDx Variant Classification Process June 2021. Collection method: clinical testing. Allele origin: germline.
Comment: Not observed at significant frequency in large population cohorts (gnomAD); In silico analysis supports that this missense variant has a deleterious effect on protein structure/function; Has not been previously published as pathogenic or benign to our knowledge

NM_000742.4(CHRNA2):c.361C>G (p.Arg121Gly)

Gene: CHRNA2 (cholinergic receptor nicotinic alpha 2 subunit; minus strand). Cytogenetic location: 8p21.2.
Variant type: single nucleotide variant.
Coding change: c.361C>G on transcript NM_000742.4 (MANE Select); coding-DNA position 361, C replaced by G.
Protein change: p.Arg121Gly; replaces arginine 121 with glycine.
Molecular consequence: missense variant. On other transcripts: 5 prime UTR variant (4).
Genome position (GRCh38, 1-based): chr8:27,467,317, G>C on the plus strand (C>G on the coding strand, the complement: CHRNA2 is on the minus strand). VCF-style: chr8-27467317-G-C. GRCh37 (hg19) VCF-style: chr8-27324834-G-C.
Other names: c.316C>G, p.Arg106Gly (NM_001282455.2); c.-112C>G (NM_001347705.2, NM_001347706.2); c.-98C>G (NM_001347707.2); c.-101C>G (NM_001347708.2); short protein forms R106G, R121G.
Identifiers: ClinVar variation 5037100 (VCV005037100.1).